The following is an entry in ClinVar:

NM_015466.4(PTPN23):c.548G>C (p.Gly183Ala)

Gene: PTPN23 (protein tyrosine phosphatase non-receptor type 23; plus strand). Cytogenetic location: 3p21.31.
Variant type: single nucleotide variant.
Coding change: c.548G>C on transcript NM_015466.4 (MANE Select); coding-DNA position 548, G replaced by C.
Protein change: p.Gly183Ala; replaces glycine 183 with alanine.
Molecular consequence: missense variant.
Genome position (GRCh38, 1-based): chr3:47,406,326, G>C. VCF-style: chr3-47406326-G-C. GRCh37 (hg19) VCF-style: chr3-47447816-G-C.
Other names: c.170G>C, p.Gly57Ala (NM_001304482.2); short protein forms G183A, G57A.
Identifiers: ClinVar variation 4056929 (VCV004056929.1).

ClinVar aggregate classification (germline): Uncertain significance (1 of 4 stars; one submission).

gnomAD v4.1: 4 of 1,613,604 alleles (0.00025%); highest among the groups gnomAD compares: Non-Finnish European, 0.00034%; no homozygotes.

Submission:

GeneDx
Classification: Uncertain significance. Last evaluated: 2025-01-10. Review status: criteria provided, single submitter. Criteria: GeneDx Variant Classification Process June 2021. Collection method: clinical testing. Allele origin: germline. Affected: yes.
Comment: Not observed at significant frequency in large population cohorts (gnomAD); In silico analysis indicates that this missense variant does not alter protein structure/function; Has not been previously published as pathogenic or benign to our knowledge